The following is an entry in ClinVar:

ClinVar aggregate classification (germline): Uncertain significance. Review status: criteria provided, multiple submitters, no conflicts (2 of 4 stars). 3 submissions from 3 submitters: Uncertain significance (3). Last evaluated 2025-03-02.

Conditions:
Cardiomyopathy (CMYO). Also called: Cardiomyopathies. Identifiers: Orphanet 167848, MedGen C0878544, MONDO:0004994, HP:0001638. Inheritance: Various modes of inheritance.
Catecholaminergic polymorphic ventricular tachycardia 1. Also called: RYR2-Related Catecholaminergic Polymorphic Ventricular Tachycardia; VENTRICULAR TACHYCARDIA, CATECHOLAMINERGIC POLYMORPHIC, 1, WITH OR WITHOUT ATRIAL DYSFUNCTION AND/OR DILATED CARDIOMYOPATHY; VENTRICULAR TACHYCARDIA, STRESS-INDUCED POLYMORPHIC 1. Identifiers: Orphanet 3286, MedGen C1631597, MONDO:0011484, OMIM 604772.

Allele frequency attached by ClinVar (database versions not stated): ExAC 0.00001; gnomAD exomes 0.00001.
gnomAD v4.1: 3 of 1,544,768 alleles (0.00019%); highest among the groups gnomAD compares: Non-Finnish European, 0.00018%; no homozygotes.

Submissions (3):

GeneDx
Classification: Uncertain significance. Last evaluated: 2025-03-02. Review status: criteria provided, single submitter. Criteria: GeneDx Variant Classification Process June 2021. Collection method: clinical testing. Allele origin: germline. Affected: yes.
Comment: Not observed at significant frequency in large population cohorts (gnomAD); In silico analysis indicates that this missense variant does not alter protein structure/function; Has not been previously published as pathogenic or benign to our knowledge; Located in one of the three hot-spot regions of the RYR2 gene, where the majority of pathogenic missense variants occur (PMID: 19926015); This variant is associated with the following publications: (PMID: 19926015)

Color Diagnostics, LLC DBA Color Health
Classification: Uncertain significance for Cardiomyopathy. Last evaluated: 2024-04-30. Review status: criteria provided, single submitter. Criteria: ACMG Guidelines, 2015. Collection method: clinical testing. Allele origin: germline.
Comment: This missense variant replaces isoleucine with leucine at codon 387 of the RYR2 protein. Computational prediction suggests that this variant may not impact protein structure and function (internally defined REVEL score threshold <= 0.5, PMID: 27666373). To our knowledge, functional studies have not been reported for this variant. This variant has not been reported in individuals affected with RYR2-related disorders in the literature. This variant has been identified in 2/226898 chromosomes in the general population by the Genome Aggregation Database (gnomAD). The available evidence is insufficient to determine the role of this variant in disease conclusively. Therefore, this variant is classified as a Variant of Uncertain Significance.

Labcorp Genetics (formerly Invitae), Labcorp
Classification: Uncertain significance for Catecholaminergic polymorphic ventricular tachycardia 1. Last evaluated: 2023-11-11. Review status: criteria provided, single submitter. Criteria: Invitae Variant Classification Sherloc (09022015). Collection method: clinical testing. Allele origin: germline.
Comment: This sequence change replaces isoleucine, which is neutral and non-polar, with leucine, which is neutral and non-polar, at codon 387 of the RYR2 protein (p.Ile387Leu). This variant is present in population databases (rs748169418, gnomAD 0.001%). This variant has not been reported in the literature in individuals affected with RYR2-related conditions. Advanced modeling of protein sequence and biophysical properties (such as structural, functional, and spatial information, amino acid conservation, physicochemical variation, residue mobility, and thermodynamic stability) performed at Invitae indicates that this missense variant is not expected to disrupt RYR2 protein function with a negative predictive value of 95%. In summary, the available evidence is currently insufficient to determine the role of this variant in disease. Therefore, it has been classified as a Variant of Uncertain Significance.

NM_001035.3(RYR2):c.1159A>C (p.Ile387Leu)

Gene: RYR2 (ryanodine receptor 2; plus strand). Cytogenetic location: 1q43.
Variant type: single nucleotide variant.
Coding change: c.1159A>C on transcript NM_001035.3 (MANE Select); coding-DNA position 1159, A replaced by C.
Protein change: p.Ile387Leu; replaces isoleucine 387 with leucine.
Molecular consequence: missense variant.
Genome position (GRCh38, 1-based): chr1:237,441,472, A>C. VCF-style: chr1-237441472-A-C. GRCh37 (hg19) VCF-style: chr1-237604772-A-C.
Other names: c.1159A>C (NM_001035.2); short protein forms I387L.
Identifiers: ClinVar variation 2726005 (VCV002726005.5), dbSNP rs748169418, ClinGen allele CA085007.